The following is an entry in ClinVar:

ClinVar aggregate classification (germline): Likely pathogenic (1 of 4 stars; one submission).

Conditions:
Bardet-Biedl syndrome (BBS). Identifiers: Orphanet 110, MedGen C0752166, MONDO:0015229.

Allele frequency attached by ClinVar (database versions not stated): TOPMed below 0.00001; gnomAD 0.00001.
gnomAD v4.1: 1 of 1,613,852 alleles (0.000062%); highest among the groups gnomAD compares: African/African-American, 0.0013%; no homozygotes.

Submission:

Labcorp Genetics (formerly Invitae), Labcorp
Classification: Likely pathogenic for Bardet-Biedl syndrome. Last evaluated: 2023-08-29. Review status: criteria provided, single submitter. Criteria: Invitae Variant Classification Sherloc (09022015). Collection method: clinical testing. Allele origin: germline.
Comment: In summary, the currently available evidence indicates that the variant is pathogenic, but additional data are needed to prove that conclusively. Therefore, this variant has been classified as Likely Pathogenic. Algorithms developed to predict the effect of sequence changes on RNA splicing suggest that this variant may disrupt the consensus splice site. ClinVar contains an entry for this variant (Variation ID: 1066382). Disruption of this splice site has been observed in individual(s) with Bardet-Biedl syndrome (PMID: 25170860). This variant is not present in population databases (gnomAD no frequency). This sequence change affects a donor splice site in intron 5 of the BBS2 gene. It is expected to disrupt RNA splicing. Variants that disrupt the donor or acceptor splice site typically lead to a loss of protein function (PMID: 16199547), and loss-of-function variants in BBS2 are known to be pathogenic (PMID: 11285252, 20177705, 24608809, 26518167).

Literature cited by the submitters: PubMed 25170860; PubMed 16199547; PubMed 11285252; PubMed 20177705; PubMed 24608809; PubMed 26518167.

NM_031885.5(BBS2):c.612+1G>T

Gene: BBS2 (Bardet-Biedl syndrome 2; minus strand). Cytogenetic location: 16q13.
Variant type: single nucleotide variant.
Coding change: c.612+1G>T on transcript NM_031885.5 (MANE Select); the canonical splice donor site of the intron after coding-DNA position 612, G replaced by T.
Molecular consequence: splice donor variant.
Genome position (GRCh38, 1-based): chr16:56,509,956, C>A on the plus strand (G>T on the coding strand, the complement: BBS2 is on the minus strand). VCF-style: chr16-56509956-C-A. GRCh37 (hg19) VCF-style: chr16-56543868-C-A.
Other names: c.612+1G>T (NM_001377456.1).
Identifiers: ClinVar variation 1066382 (VCV001066382.9), dbSNP rs1964531402, ClinGen allele CA395983949.